The following is an entry in ClinVar:

NM_001148.6(ANK2):c.2018G>T (p.Gly673Val)

Gene: ANK2 (ankyrin 2; plus strand). Cytogenetic location: 4q26.
Variant type: single nucleotide variant.
Coding change: c.2018G>T on transcript NM_001148.6 (MANE Select); coding-DNA position 2018, G replaced by T.
Protein change: p.Gly673Val; replaces glycine 673 with valine.
Molecular consequence: missense variant.
Genome position (GRCh38, 1-based): chr4:113,282,811, G>T. VCF-style: chr4-113282811-G-T. GRCh37 (hg19) VCF-style: chr4-114203967-G-T.
Other names: c.1955G>T, p.Gly652Val (NM_001127493.3, NM_001354239.2, NM_001354262.2 and 10 more transcripts); c.2018G>T, p.Gly673Val (NM_001354225.2, NM_001354228.2, NM_001354232.2 and 6 more transcripts); c.2063G>T, p.Gly688Val (NM_001354230.2, NM_001354231.2, NM_001354237.2 and 5 more transcripts); c.1856G>T, p.Gly619Val (NM_001354257.2, NM_001354253.2, NM_001354270.2 and 1 more transcripts); c.1832G>T, p.Gly611Val (NM_001354260.2, NM_001386151.1, NM_001354271.2); c.1976G>T, p.Gly659Val (NM_001354261.2, NM_001386147.1, NM_001386160.1); c.1931G>T, p.Gly644Val (NM_001354264.2, NM_001354266.2, NM_001354267.2 and 10 more transcripts); c.2006G>T, p.Gly669Val (NM_001386148.2, NM_001386186.2); and 8 more; short protein forms G644V, G659V, G578V, G603V, G611V, G619V, G640V, G652V.
Identifiers: ClinVar variation 849948 (VCV000849948.3), dbSNP rs947398548, ClinGen allele CA103788777.

ClinVar aggregate classification (germline): Uncertain significance. Review status: criteria provided, multiple submitters, no conflicts (2 of 4 stars). 3 submissions from 3 submitters: Uncertain significance (3). Last evaluated 2025-08-28.

Conditions:
Long QT syndrome (LQTS). Identifiers: MedGen C0023976, MeSH D008133, MONDO:0002442. Disease mechanism: loss of function. Inheritance: Various modes of inheritance.
Complex neurodevelopmental disorder. Identifiers: Orphanet 528084, MedGen C5568766, MONDO:0100038.
Cardiovascular phenotype. Identifiers: MedGen CN230736.

Submissions (3):

Helix
Classification: Uncertain significance for Complex neurodevelopmental disorder. Last evaluated: 2025-08-28. Review status: criteria provided, single submitter. Criteria: ACMG Guidelines, 2015. Collection method: clinical testing. Allele origin: germline. Inheritance: Autosomal dominant inheritance.
Comment: This variant (NM_001148.6:c.2018G>T p.Gly673Val) results in the substitution of glycine with valine at codon 673 in the ANK2 protein. It is a rare variant that is absent from the large gnomAD population database (v4.1). To our knowledge, this variant has not been reported in individuals with ANK2-related conditions. In silico prediction from REVEL (PMID: 27666373) suggests that this variant may be deleterious. This variant is present in ClinVar (Accession: VCV000849948.3). In conclusion, since the available evidence is limited, the clinical significance of this variant is unclear at this time. Therefore, it is classified as a Variant of Uncertain Significance.

Ambry Genetics
Classification: Uncertain significance for Cardiovascular phenotype. Last evaluated: 2022-03-06. Review status: criteria provided, single submitter. Criteria: Ambry Variant Classification Scheme 2023. Collection method: clinical testing. Allele origin: germline.
Comment: The p.G673V variant (also known as c.2018G>T), located in coding exon 18 of the ANK2 gene, results from a G to T substitution at nucleotide position 2018. The glycine at codon 673 is replaced by valine, an amino acid with dissimilar properties. This amino acid position is conserved. In addition, this alteration is predicted to be deleterious by in silico analysis. Since supporting evidence is limited at this time, the clinical significance of this alteration remains unclear.

Labcorp Genetics (formerly Invitae), Labcorp
Classification: Uncertain significance for Long QT syndrome. Last evaluated: 2019-02-25. Review status: criteria provided, single submitter. Criteria: Invitae Variant Classification Sherloc (09022015). Collection method: clinical testing. Allele origin: germline.
Comment: This sequence change replaces glycine with valine at codon 673 of the ANK2 protein (p.Gly673Val). The glycine residue is highly conserved and there is a moderate physicochemical difference between glycine and valine. This variant is not present in population databases (ExAC no frequency). This variant has not been reported in the literature in individuals with ANK2-related conditions. Algorithms developed to predict the effect of missense changes on protein structure and function are either unavailable or do not agree on the potential impact of this missense change (SIFT: "Deleterious"; PolyPhen-2: "Probably Damaging"; Align-GVGD: "Class C0"). Algorithms developed to predict the effect of sequence changes on RNA splicing suggest that this variant may create or strengthen a splice site, but this prediction has not been confirmed by published transcriptional studies. In summary, the available evidence is currently insufficient to determine the role of this variant in disease. Therefore, it has been classified as a Variant of Uncertain Significance.